The following is an entry in ClinVar:

ClinVar aggregate classification (germline): Uncertain significance (1 of 4 stars; one submission).

Conditions:
Glanzmann thrombasthenia. Also called: PLATELET GLYCOPROTEIN IIb-IIIa DEFICIENCY; BLEEDING DISORDER, PLATELET-TYPE, 2; THROMBASTHENIA OF GLANZMANN AND NAEGELI; Glanzmann's thrombasthenia; Thrombasthenia. Identifiers: Orphanet 849, MedGen C0040015, MONDO:0100326.

gnomAD v4.1: 1 of 1,612,830 alleles (0.000062%); highest among the groups gnomAD compares: Non-Finnish European, 0.000085%; no homozygotes.

Submission:

Labcorp Genetics (formerly Invitae), Labcorp
Classification: Uncertain significance for Glanzmann thrombasthenia. Last evaluated: 2025-06-11. Review status: criteria provided, single submitter. Criteria: Invitae Variant Classification Sherloc (09022015). Collection method: clinical testing. Allele origin: germline.
Comment: This sequence change replaces leucine, which is neutral and non-polar, with valine, which is neutral and non-polar, at codon 843 of the ITGA2B protein (p.Leu843Val). This variant is not present in population databases (gnomAD no frequency). This variant has not been reported in the literature in individuals affected with ITGA2B-related conditions. An algorithm developed to predict the effect of missense changes on protein structure and function outputs the following: PolyPhen-2: "Benign". The valine amino acid residue is found in multiple mammalian species, which suggests that this missense change does not adversely affect protein function. In summary, the available evidence is currently insufficient to determine the role of this variant in disease. Therefore, it has been classified as a Variant of Uncertain Significance.

NM_000419.5(ITGA2B):c.2527C>G (p.Leu843Val)

Gene: ITGA2B (integrin subunit alpha 2b; minus strand). Cytogenetic location: 17q21.31.
Variant type: single nucleotide variant.
Coding change: c.2527C>G on transcript NM_000419.5 (MANE Select); coding-DNA position 2527, C replaced by G.
Protein change: p.Leu843Val; replaces leucine 843 with valine.
Molecular consequence: missense variant.
Genome position (GRCh38, 1-based): chr17:44,375,907, G>C on the plus strand (C>G on the coding strand, the complement: ITGA2B is on the minus strand). VCF-style: chr17-44375907-G-C. GRCh37 (hg19) VCF-style: chr17-42453275-G-C.
Other names: short protein forms L843V.
Identifiers: ClinVar variation 4753362 (VCV004753362.1).
Genomic context (GRCh38, chr17:44,375,907, plus strand): 5'-CAGGAGGCTGTGGGAAGCACTGAAGGCCCCCCTGGGGCTGTATATCCAGGATGTAGAGCA[G>C]GTCGGAGGGCTGGGACTGTCCCGGAAGGTGGATGCTGAGGTGAAGACCATTCACAGTCCC-3'
Protein context (NP_000410.2, residues 833-853): HLPGQSQPSD[Leu843Val]LYILDIQPQG